The following is an entry in ClinVar:

ClinVar aggregate classification (germline): Benign/Likely benign. Review status: criteria provided, multiple submitters, no conflicts (2 of 4 stars). 4 submissions from 4 submitters: Benign (1); Likely benign (3). Last evaluated 2025-09-20.

Conditions:
Fanconi anemia complementation group J. Also called: BRIP1-Related Fanconi Anemia. Identifiers: Orphanet 84, MedGen C1836860, MONDO:0012187, OMIM 609054.
Familial cancer of breast. Also called: Hereditary breast cancer; BREAST CANCER, FAMILIAL; hereditary breast carcinoma. Identifiers: Orphanet 227535, MedGen C0346153, MONDO:0016419, OMIM 114480. Disease mechanism: loss of function.
Hereditary cancer-predisposing syndrome. Also called: Tumor predisposition; Neoplastic Syndromes, Hereditary; Hereditary Cancer Syndrome; Hereditary neoplastic syndrome. Identifiers: Orphanet 140162, MedGen C0027672, MeSH D009386, MONDO:0015356.

Allele frequency attached by ClinVar (database versions not stated): gnomAD exomes below 0.00001; ExAC 0.00001; TOPMed 0.00002.

Submissions (4):

Labcorp Genetics (formerly Invitae), Labcorp
Classification: Likely benign for Familial cancer of breast; Fanconi anemia complementation group J. Last evaluated: 2025-09-20. Review status: criteria provided, single submitter. Criteria: Invitae Variant Classification Sherloc (09022015). Collection method: clinical testing. Allele origin: germline.

Myriad Genetics, Inc.
Classification: Benign for Familial cancer of breast. Last evaluated: 2024-09-03. Review status: criteria provided, single submitter. Criteria: Myriad Autosomal Dominant, Autosomal Recessive and X-Linked Classification Criteria (2023). Collection method: clinical testing. Allele origin: unknown.
Comment: This variant is considered benign. This variant is a silent/synonymous amino acid change and it is not expected to impact splicing.

Color Diagnostics, LLC DBA Color Health
Classification: Likely benign for Hereditary cancer-predisposing syndrome. Last evaluated: 2017-09-08. Review status: criteria provided, single submitter. Criteria: ACMG Guidelines, 2015. Collection method: clinical testing. Allele origin: germline.

Ambry Genetics
Classification: Likely benign for Hereditary cancer-predisposing syndrome. Last evaluated: 2017-04-20. Review status: criteria provided, single submitter. Criteria: Ambry Variant Classification Scheme 2023. Collection method: clinical testing. Allele origin: germline.

NM_032043.3(BRIP1):c.2169C>T (p.Val723=)

Gene: BRIP1 (BRCA1 interacting DNA helicase 1; minus strand). Cytogenetic location: 17q23.2.
Variant type: single nucleotide variant.
Coding change: c.2169C>T on transcript NM_032043.3 (MANE Select); coding-DNA position 2169, C replaced by T.
Protein change: p.Val723=; no amino-acid change (valine 723 retained).
Molecular consequence: synonymous variant.
Genome position (GRCh38, 1-based): chr17:61,744,520, G>A on the plus strand (C>T on the coding strand, the complement: BRIP1 is on the minus strand). VCF-style: chr17-61744520-G-A. GRCh37 (hg19) VCF-style: chr17-59821881-G-A.
Identifiers: ClinVar variation 414677 (VCV000414677.19), dbSNP rs749460936, ClinGen allele CA8690579.